The following is an entry in ClinVar:

NM_001378454.1(ALMS1):c.7850A>G (p.Gln2617Arg)

Gene: ALMS1 (ALMS1 centrosome and basal body associated protein; plus strand). Cytogenetic location: 2p13.1.
Variant type: single nucleotide variant.
Coding change: c.7850A>G on transcript NM_001378454.1 (MANE Select); coding-DNA position 7850, A replaced by G.
Protein change: p.Gln2617Arg; replaces glutamine 2617 with arginine.
Molecular consequence: missense variant.
Genome position (GRCh38, 1-based): chr2:73,489,809, A>G. VCF-style: chr2-73489809-A-G. GRCh37 (hg19) VCF-style: chr2-73716936-A-G.
Other names: c.7853A>G, p.Gln2618Arg (NM_015120.4); short protein forms Q2617R, Q2618R.
Identifiers: ClinVar variation 1409610 (VCV001409610.5), dbSNP rs749293224, ClinGen allele CA1714359.
Genomic context (GRCh38, chr2:73,489,809, plus strand): 5'-TAGATAGACACCCTTGTGCTTTCAGATCTGCTGGACCCTCAGAAATGACCAGAGGACGGC[A>G]GAACCCATCATCATGCAGAGCCAAGCATGTCAACCTTTCTGCATCCTTAGACCAGAACAA-3'
Protein context (NP_001365383.1, residues 2607-2627): AGPSEMTRGR[Gln2617Arg]NPSSCRAKHV

ClinVar aggregate classification (germline): Uncertain significance (1 of 4 stars; one submission).

Conditions:
Alstrom syndrome (ALMS). Identifiers: Orphanet 64, MedGen C0268425, MONDO:0008763, OMIM 203800.

Allele frequency attached by ClinVar (database versions not stated): gnomAD exomes below 0.00001; TOPMed below 0.00001; ExAC 0.00001; gnomAD 0.00001.
gnomAD v4.1: 3 of 1,614,062 alleles (0.00019%); highest among the groups gnomAD compares: Admixed American, 0.005%; no homozygotes.

Submission:

Labcorp Genetics (formerly Invitae), Labcorp
Classification: Uncertain significance for Alstrom syndrome. Last evaluated: 2024-08-28. Review status: criteria provided, single submitter. Criteria: Invitae Variant Classification Sherloc (09022015). Collection method: clinical testing. Allele origin: germline.
Comment: This sequence change replaces glutamine, which is neutral and polar, with arginine, which is basic and polar, at codon 2618 of the ALMS1 protein (p.Gln2618Arg). This variant is present in population databases (rs749293224, gnomAD 0.003%). This variant has not been reported in the literature in individuals affected with ALMS1-related conditions. ClinVar contains an entry for this variant (Variation ID: 1409610). Experimental studies and prediction algorithms are not available or were not evaluated, and the functional significance of this variant is currently unknown. In summary, the available evidence is currently insufficient to determine the role of this variant in disease. Therefore, it has been classified as a Variant of Uncertain Significance.